The following is an entry in ClinVar:

ClinVar aggregate classification (germline): Pathogenic (1 of 4 stars; one submission).

Conditions:
Autosomal recessive polycystic kidney disease (ARPKD). Also called: AR polycystic kidney disease. Identifiers: Orphanet 731, Orphanet 8378, MedGen C0085548, MeSH D017044, MONDO:0009889.

Submission:

Labcorp Genetics (formerly Invitae), Labcorp
Classification: Pathogenic for Autosomal recessive polycystic kidney disease. Last evaluated: 2022-03-14. Review status: criteria provided, single submitter. Criteria: Invitae Variant Classification Sherloc (09022015). Collection method: clinical testing. Allele origin: germline.
Comment: For these reasons, this variant has been classified as Pathogenic. Algorithms developed to predict the effect of sequence changes on RNA splicing suggest that this variant may disrupt the consensus splice site. This variant has not been reported in the literature in individuals affected with PKHD1-related conditions. This variant is not present in population databases (gnomAD no frequency). This sequence change creates a premature translational stop signal (p.Tyr2650*) in the PKHD1 gene. It is expected to result in an absent or disrupted protein product. Loss-of-function variants in PKHD1 are known to be pathogenic (PMID: 19940839).

Literature cited by the submitters: PubMed 19940839.

NM_138694.4(PKHD1):c.7950C>G (p.Tyr2650Ter)

Gene: PKHD1 (PKHD1 ciliary IPT domain containing fibrocystin/polyductin; minus strand). Cytogenetic location: 6p12.2.
Variant type: single nucleotide variant.
Coding change: c.7950C>G on transcript NM_138694.4 (MANE Select); coding-DNA position 7950, C replaced by G.
Protein change: p.Tyr2650Ter; replaces tyrosine 2650 with a stop codon.
Molecular consequence: nonsense.
Genome position (GRCh38, 1-based): chr6:51,847,932, G>C on the plus strand (C>G on the coding strand, the complement: PKHD1 is on the minus strand). VCF-style: chr6-51847932-G-C. GRCh37 (hg19) VCF-style: chr6-51712730-G-C.
Other names: c.7950C>G, p.Tyr2650Ter (NM_170724.3); short protein forms Y2650*.
Identifiers: ClinVar variation 2107217 (VCV002107217.4), dbSNP rs2535688736, ClinGen allele CA364429366.